The following is an entry in ClinVar:

ClinVar aggregate classification (germline): Likely benign (1 of 4 stars; one submission).

Allele frequency attached by ClinVar (database versions not stated): gnomAD 0.00001; ExAC 0.00004; ESP Exome Variant Server 0.00008.
gnomAD v4.1: 18 of 1,613,988 alleles (0.0011%); highest among the groups gnomAD compares: Middle Eastern, 0.016%; no homozygotes.

Submission:

CeGaT Center for Human Genetics Tuebingen
Classification: Likely benign. Last evaluated: 2023-12-01. Review status: criteria provided, single submitter. Criteria: CeGaT Center For Human Genetics Tuebingen Variant Classification Criteria Version 2. Collection method: clinical testing. Allele origin: germline. Affected: yes. Observed: 1 variant allele.
Comment: KMT2C: BP4, BP7

NM_170606.3(KMT2C):c.14025G>A (p.Ala4675=)

Gene: KMT2C (lysine methyltransferase 2C; minus strand). Cytogenetic location: 7q36.1.
Variant type: single nucleotide variant.
Coding change: c.14025G>A on transcript NM_170606.3 (MANE Select); coding-DNA position 14025, G replaced by A.
Protein change: p.Ala4675=; no amino-acid change (alanine 4675 retained).
Molecular consequence: synonymous variant.
Genome position (GRCh38, 1-based): chr7:152,146,605, C>T on the plus strand (G>A on the coding strand, the complement: KMT2C is on the minus strand). VCF-style: chr7-152146605-C-T. GRCh37 (hg19) VCF-style: chr7-151843690-C-T.
Identifiers: ClinVar variation 3025936 (VCV003025936.22), dbSNP rs376198655, ClinGen allele CA4578533.